The following is an entry in ClinVar:

NM_015488.5(PNKD):c.348C>G (p.Phe116Leu)

Genes: CATIP-AS2 (CATIP antisense RNA 2; minus strand), PNKD (PNKD metallo-beta-lactamase domain containing; plus strand). Cytogenetic location: 2q35.
Variant type: single nucleotide variant.
Coding change: c.348C>G on transcript NM_015488.5 (MANE Select); coding-DNA position 348, C replaced by G.
Protein change: p.Phe116Leu; replaces phenylalanine 116 with leucine.
Molecular consequence: missense variant.
Genome position (GRCh38, 1-based): chr2:218,339,894, C>G. VCF-style: chr2-218339894-C-G. GRCh37 (hg19) VCF-style: chr2-219204617-C-G.
Other names: c.276C>G, p.Phe92Leu (NM_022572.5); short protein forms F116L, F92L.
Identifiers: ClinVar variation 855050 (VCV000855050.9), dbSNP rs1437287362, ClinGen allele CA350538290.
Genomic context (GRCh38, chr2:218,339,894, plus strand): 5'-GCTGCGCAGGGCTCGGAATCGCTACCCTAAAGGCCACTCGAAAACCCAGCCCCGCCTCTT[C>G]AATGGTGAGCTCTGACTGCCCCGGCCAGCATCCCCCATTCTGTGCCCCCACCCTCCCCGC-3'
Protein context (NP_056303.3, residues 106-126): KGHSKTQPRL[Phe116Leu]NGVKVLPIPV

ClinVar aggregate classification (germline): Uncertain significance (1 of 4 stars; one submission).

Conditions:
Paroxysmal nonkinesigenic dyskinesia. Also called: Paroxysmal non-kinesigenic dyskinesia. Identifiers: Orphanet 98810, MedGen C1869117, MONDO:0700088.

gnomAD v4.1: 5 of 1,604,324 alleles (0.00031%); highest among the groups gnomAD compares: South Asian, 0.0011%; no homozygotes.

Submission:

Labcorp Genetics (formerly Invitae), Labcorp
Classification: Uncertain significance for Paroxysmal nonkinesigenic dyskinesia. Last evaluated: 2023-08-04. Review status: criteria provided, single submitter. Criteria: Invitae Variant Classification Sherloc (09022015). Collection method: clinical testing. Allele origin: germline.
Comment: This sequence change replaces phenylalanine, which is neutral and non-polar, with leucine, which is neutral and non-polar, at codon 116 of the PNKD protein (p.Phe116Leu). This variant is not present in population databases (gnomAD no frequency). This variant has not been reported in the literature in individuals affected with PNKD-related conditions. ClinVar contains an entry for this variant (Variation ID: 855050). Advanced modeling of protein sequence and biophysical properties (such as structural, functional, and spatial information, amino acid conservation, physicochemical variation, residue mobility, and thermodynamic stability) performed at Invitae indicates that this missense variant is not expected to disrupt PNKD protein function. In summary, the available evidence is currently insufficient to determine the role of this variant in disease. Therefore, it has been classified as a Variant of Uncertain Significance.